The following is an entry in ClinVar:

NM_001376.5(DYNC1H1):c.5978-128C>T

Gene: DYNC1H1 (dynein cytoplasmic 1 heavy chain 1; plus strand). Cytogenetic location: 14q32.31.
Variant type: single nucleotide variant.
Coding change: c.5978-128C>T on transcript NM_001376.5 (MANE Select); 128 bases into the intron before coding-DNA position 5978, C replaced by T.
Molecular consequence: intron variant.
Genome position (GRCh38, 1-based): chr14:102,009,715, C>T. VCF-style: chr14-102009715-C-T. GRCh37 (hg19) VCF-style: chr14-102476052-C-T.
Identifiers: ClinVar variation 674464 (VCV000674464.2), dbSNP rs79075471, ClinGen allele CA14013762.
Genomic context (GRCh38, chr14:102,009,715, plus strand): 5'-TCCACCTGGGCTGGGAGAATGTGGCTGGTGGTCCCCGAAGAAAGGCCAAAGAGCAGCCCC[C>T]GAGGAAGCGTCTACTTCAGCTCCCTGGGAGAACGAGAGCTTTGTCTGTTGTTTTAGAGAC-3'

ClinVar aggregate classification (germline): Likely benign. Review status: criteria provided, multiple submitters, no conflicts (2 of 4 stars). 2 submissions from 2 submitters: Likely benign (2). Last evaluated 2018-06-19.

Allele frequency attached by ClinVar (database versions not stated): gnomAD 0.03100 and 0.03485; TOPMed 0.03978; 1000 Genomes Project 30x 0.07714; 1000 Genomes Project 0.08207.
gnomAD v4.1: 48,219 of 1,469,704 alleles (3.3%); highest among the groups gnomAD compares: East Asian, 23%; 1,840 homozygotes.

Submissions (2):

GeneDx
Classification: Likely benign. Last evaluated: 2018-06-19. Review status: criteria provided, single submitter. Criteria: GeneDx Variant Classification (06012015). Collection method: clinical testing. Allele origin: germline. Affected: yes.
Comment: This variant is considered likely benign or benign based on one or more of the following criteria: it is a conservative change, it occurs at a poorly conserved position in the protein, it is predicted to be benign by multiple in silico algorithms, and/or has population frequency not consistent with disease.

Breakthrough Genomics
Classification: Likely benign. Review status: criteria provided, single submitter. Criteria: ACMG Guidelines, 2015. Collection method: not provided. Allele origin: germline. Inheritance: Autosomal dominant inheritance. Affected: yes.